The following is an entry in ClinVar:

NM_001267550.2(TTN):c.7331-1G>A

Genes: TTN (titin; minus strand), LOC126806433 (BRD4-independent group 4 enhancer GRCh37_chr2:179638309-179639508; plus strand). Cytogenetic location: 2q31.2.
Variant type: single nucleotide variant.
Coding change: c.7331-1G>A on transcript NM_001267550.2 (MANE Select); the canonical splice acceptor site of the intron before coding-DNA position 7331, G replaced by A.
Molecular consequence: splice acceptor variant.
Genome position (GRCh38, 1-based): chr2:178,773,726, C>T on the plus strand (G>A on the coding strand, the complement: TTN is on the minus strand). VCF-style: chr2-178773726-C-T. GRCh37 (hg19) VCF-style: chr2-179638453-C-T.
Other names: c.7193-1G>A (NM_003319.4, NM_133437.4, NM_133432.3); c.7331-1G>A (NM_133378.4, NM_001256850.1, NM_133379.5).
Identifiers: ClinVar variation 2947411 (VCV002947411.3), dbSNP rs2532683368, ClinGen allele CA349680524.

ClinVar aggregate classification (germline): Likely pathogenic (1 of 4 stars; one submission).

Conditions:
Dilated cardiomyopathy 1G (CMD1G). Identifiers: Orphanet 154, MedGen C1858763, MONDO:0011400, OMIM 604145.
Autosomal recessive limb-girdle muscular dystrophy type 2J (LGMDR10). Also called: Limb-girdle muscular dystrophy, type 2J; MUSCULAR DYSTROPHY, LIMB-GIRDLE, AUTOSOMAL RECESSIVE 10. Identifiers: Orphanet 140922, MedGen C1837342, MONDO:0012127, OMIM 608807.

Submission:

Labcorp Genetics (formerly Invitae), Labcorp
Classification: Likely pathogenic for Dilated cardiomyopathy 1G; Autosomal recessive limb-girdle muscular dystrophy type 2J. Last evaluated: 2024-10-18. Review status: criteria provided, single submitter. Criteria: Invitae Variant Classification Sherloc (09022015). Collection method: clinical testing. Allele origin: germline.
Comment: This sequence change affects an acceptor splice site in intron 31 of the TTN gene. It is expected to disrupt RNA splicing and likely results in a truncated or disrupted TTN protein. This variant is not present in population databases (gnomAD no frequency). This variant has not been reported in the literature in individuals affected with TTN-related conditions. Algorithms developed to predict the effect of sequence changes on RNA splicing suggest that this variant may disrupt the consensus splice site. This variant is located in the I band of TTN (PMID: 25589632). Truncating variants in this region have been reported in individuals affected with autosomal recessive centronuclear myopathy (PMID: 23975875, internal data). Truncating variants in this region have also been identified in individuals affected with autosomal dominant dilated cardiomyopathy and/or cardio-related conditions (PMID: 27869827, 32964742, internal data). In summary, the currently available evidence indicates that the variant is pathogenic, but additional data are needed to prove that conclusively. Therefore, this variant has been classified as Likely Pathogenic.

Literature cited by the submitters: PubMed 25589632; PubMed 23975875; PubMed 27869827; PubMed 32964742.